The following is an entry in ClinVar:

ClinVar aggregate classification (germline): Conflicting classifications of pathogenicity. Review status: criteria provided, conflicting classifications (1 of 4 stars). 3 submissions from 3 submitters: Likely pathogenic (2); Uncertain significance (1). Last evaluated 2024-12-17.

Conditions:
Deficiency of cytochrome-b5 reductase. Also called: METHEMOGLOBINEMIA, CONGENITAL, AUTOSOMAL RECESSIVE; NADH-DEPENDENT METHEMOGLOBIN REDUCTASE DEFICIENCY. Identifiers: Orphanet 621, MedGen C0268193, MONDO:0009606, OMIM 250800.
Central core myopathy (CMYO1A). Also called: CONGENITAL MYOPATHY 1A, AUTOSOMAL DOMINANT, WITH SUSCEPTIBILITY TO MALIGNANT HYPERTHERMIA; Central core disease; Myopathy, central fibrillar. Identifiers: Orphanet 597, MedGen C5830701, MONDO:0007294, OMIM 117000.

gnomAD v4.1: 30 of 1,551,606 alleles (0.0019%); highest among the groups gnomAD compares: African/African-American, 0.0041%; no homozygotes.

Submissions (3):

Genomic Medicine Center of Excellence, King Faisal Specialist Hospital and Research Centre
Classification: Likely pathogenic for Central core myopathy. Last evaluated: 2024-12-17. Review status: criteria provided, single submitter. Criteria: ACMG Guidelines, 2015. Collection method: clinical testing. Allele origin: germline.

Revvity Omics, Revvity
Classification: Uncertain significance for Deficiency of cytochrome-b5 reductase. Last evaluated: 2024-11-29. Review status: criteria provided, single submitter. Criteria: ACMG Guidelines, 2015. Collection method: clinical testing. Allele origin: germline.

Genetics and Molecular Pathology, SA Pathology
Classification: Likely pathogenic for Deficiency of cytochrome-b5 reductase. Last evaluated: 2022-12-13. Review status: criteria provided, single submitter. Criteria: ACMG Guidelines, 2015. Collection method: clinical testing. Allele origin: germline. Inheritance: Autosomal recessive inheritance. Affected: yes.
Comment: The CYB5R3 c.182G>A variant is classified as a VUS (PM2, PM1, PM5_supporting, PP4) The CYB5R3 c.182G>A variant is a single nucleotide change in exon 3/9 of the CYB5R3 gene, which is predicted to change the amino acid arginine at position 61 in the protein to histidine. The variant is rare in population databases (gnomAD allele frequency = 0.0026%; 4 het and 0 hom in 152174 sequenced alleles; highest frequency = 0.019%, East Asian population) (PM2). This variant is located in the conserved FAD-binding domain (PM1). This variant is a novel missense change at an amino acid residue where a different missense change has been seen before (c.181C>T; Arg61Cys on HGMD as disease causing (CM1826180) (PM5_supporting). The clinical features of this case are highly specific for the CYB5R3, the family history is consistent with the mode of inheritance of this condition and this patient has a well-defined syndrome with little overlap with other clinical presentations (PP4). The variant has been reported in dbSNP (rs774242947). It has not been reported in ClinVar or HGMD.

NM_000398.7(CYB5R3):c.182G>A (p.Arg61His)

Gene: CYB5R3 (cytochrome b5 reductase 3; minus strand). Cytogenetic location: 22q13.2.
Variant type: single nucleotide variant.
Coding change: c.182G>A on transcript NM_000398.7 (MANE Select); coding-DNA position 182, G replaced by A.
Protein change: p.Arg61His; replaces arginine 61 with histidine.
Molecular consequence: missense variant.
Genome position (GRCh38, 1-based): chr22:42,631,422, C>T on the plus strand (G>A on the coding strand, the complement: CYB5R3 is on the minus strand). VCF-style: chr22-42631422-C-T. GRCh37 (hg19) VCF-style: chr22-43027428-C-T.
Other names: c.281G>A (NM_001171660.1); c.182G>A, p.Arg61His (NM_001031678.1); c.113G>A, p.Arg38His (NM_001129819.2, NM_001171661.1, NM_007326.4); c.281G>A, p.Arg94His (NM_001171660.2); short protein forms R38H, R61H, R94H.
Identifiers: ClinVar variation 2440662 (VCV002440662.4), dbSNP rs774242947, ClinGen allele CA324703519.
Genomic context (GRCh38, chr22:42,631,422, plus strand): 5'-CAGGGGCGTGACTCACCGACAGGGAGGCCCAGGATGTGCTGGGGTGACGGCAGGGCAAAG[C>T]GGAAGCGCCGGGTGTCATGGCTGATGATCTGGAGAGAGGCCCAAAGCTGCTGAACGGTCC-3'
Protein context (NP_000389.1, residues 51-71): EIISHDTRRF[Arg61His]FALPSPQHIL